The following is an entry in ClinVar:

NM_000348.4(SRD5A2):c.311G>A (p.Gly104Glu)

Gene: SRD5A2 (steroid 5 alpha-reductase 2; minus strand). Cytogenetic location: 2p23.1.
Variant type: single nucleotide variant.
Coding change: c.311G>A on transcript NM_000348.4 (MANE Select); coding-DNA position 311, G replaced by A.
Protein change: p.Gly104Glu; replaces glycine 104 with glutamic acid.
Molecular consequence: missense variant.
Genome position (GRCh38, 1-based): chr2:31,533,737, C>T on the plus strand (G>A on the coding strand, the complement: SRD5A2 is on the minus strand). VCF-style: chr2-31533737-C-T. GRCh37 (hg19) VCF-style: chr2-31758807-C-T.
Other names: short protein forms G104E.
Identifiers: ClinVar variation 2674674 (VCV002674674.1), dbSNP rs777711528, ClinGen allele CA1599966.

ClinVar aggregate classification (germline): Pathogenic (1 of 4 stars; one submission).

Conditions:
3-Oxo-5 alpha-steroid delta 4-dehydrogenase deficiency (PPSH). Also called: 46,XY disorder of sex development due to 5-alpha-reductase 2 deficiency; PSEUDOVAGINAL PERINEOSCROTAL HYPOSPADIAS; FAMILIAL INCOMPLETE MALE PSEUDOHERMAPHRODITISM, TYPE 2; MALE PSEUDOHERMAPHRODITISM DUE TO 5-ALPHA-REDUCTASE DEFICIENCY. Identifiers: Orphanet 753, MedGen C0268297, MONDO:0009923, OMIM 264600. Disease mechanism: loss of function.

gnomAD v4.1: 8 of 1,603,170 alleles (0.0005%); highest among the groups gnomAD compares: Non-Finnish European, 0.00068%; no homozygotes.

Submission:

Clinical Biochemistry Laboratory, Health Services Laboratory
Classification: Pathogenic for 3-Oxo-5 alpha-steroid delta 4-dehydrogenase deficiency. Last evaluated: 2023-11-20. Review status: criteria provided, single submitter. Criteria: ACMG Guidelines, 2015. Collection method: clinical testing. Allele origin: germline. Affected: yes.
Comment: ACMG:PS5 PM2 PM3 PP4 PP5

Literature cited by the submitters: PubMed 21402750.